The following is an entry in ClinVar:

NM_198428.3(BBS9):c.617+2T>A

Gene: BBS9 (Bardet-Biedl syndrome 9; plus strand). Cytogenetic location: 7p14.3.
Variant type: single nucleotide variant.
Coding change: c.617+2T>A on transcript NM_198428.3 (MANE Select); the canonical splice donor site of the intron after coding-DNA position 617, T replaced by A.
Molecular consequence: splice donor variant.
Genome position (GRCh38, 1-based): chr7:33,257,412, T>A. VCF-style: chr7-33257412-T-A. GRCh37 (hg19) VCF-style: chr7-33297024-T-A.
Other names: c.617+2T>A (NM_001348036.1, NM_001362679.1, NM_001348041.4 and 5 more transcripts); c.344+2T>A (NM_001348038.3, NM_001348039.3); c.251+2T>A (NM_001348037.3, NM_001348045.3, NM_001348046.3 and 1 more transcripts); c.482+2T>A (NM_001348042.3).
Identifiers: ClinVar variation 5000464 (VCV005000464.1).
Genomic context (GRCh38, chr7:33,257,412, plus strand): 5'-AGTTCCCGTACAGATTCCTTCCTTACTGTCTCTTCCTGCCAACAAGTGGAAAGTTATAAG[T>A]AAGTTTGGATGTTAAGTCTTCAGAATCATGATTTTTTGGTGCGTTTGTTGCTGACTAATT-3'

ClinVar aggregate classification (germline): Likely pathogenic (1 of 4 stars; one submission).

Conditions:
BBS9-related disorder. Also called: BBS9-related condition.

Submission:

PreventionGenetics, part of Exact Sciences
Classification: Likely pathogenic for BBS9-related condition. Last evaluated: 2025-01-22. Review status: criteria provided, single submitter. Criteria: ACMG Guidelines, 2015. Collection method: clinical testing. Allele origin: germline.
Comment: The BBS9 c.617+2T>A variant is predicted to disrupt the GT donor site and interfere with normal splicing. To our knowledge, this variant has not been reported in the literature in individuals with Bardet-Biedl syndrome or in a large population database (gnomAD), indicating this variant is rare. Variants that disrupt the consensus splice donor site in BBS9 are expected to be pathogenic. This variant is interpreted as likely pathogenic.